The following is an entry in ClinVar:

NM_002458.3(MUC5B):c.6236C>A (p.Thr2079Lys)

Genes: MUC5B (mucin 5B, oligomeric mucus/gel-forming; plus strand), MUC5B-AS1 (MUC5B antisense RNA 1; minus strand). Cytogenetic location: 11p15.5.
Variant type: single nucleotide variant.
Coding change: c.6236C>A on transcript NM_002458.3 (MANE Select); coding-DNA position 6236, C replaced by A.
Protein change: p.Thr2079Lys; replaces threonine 2079 with lysine.
Molecular consequence: missense variant.
Genome position (GRCh38, 1-based): chr11:1,243,116, C>A. VCF-style: chr11-1243116-C-A. GRCh37 (hg19) VCF-style: chr11-1264346-C-A.
Other names: short protein forms T2079K.
Identifiers: ClinVar variation 2212616 (VCV002212616.16), dbSNP rs201952503, ClinGen allele CA5805960.

ClinVar aggregate classification (germline): Conflicting classifications of pathogenicity. Review status: criteria provided, conflicting classifications (1 of 4 stars). 2 submissions from 2 submitters: Uncertain significance (1); Likely benign (1). Last evaluated 2026-01-01.

Allele frequency attached by ClinVar (database versions not stated): 1000 Genomes Project 0.00020; ExAC 0.00044; gnomAD 0.00058; gnomAD exomes 0.00087; ESP Exome Variant Server 0.00094.
gnomAD v4.1: 1,354 of 1,610,496 alleles (0.084%); highest among the groups gnomAD compares: Non-Finnish European, 0.1%; 3 homozygotes.

Submissions (2):

CeGaT Center for Human Genetics Tuebingen
Classification: Likely benign. Last evaluated: 2026-01-01. Review status: criteria provided, single submitter. Criteria: CeGaT Center For Human Genetics Tuebingen Variant Classification Criteria Version 2. Collection method: clinical testing. Allele origin: germline. Affected: yes. Observed: 2 variant alleles.
Comment: MUC5B: BP4, BS1

Ambry Genetics
Classification: Uncertain significance. Last evaluated: 2022-03-22. Review status: criteria provided, single submitter. Criteria: Ambry Variant Classification Scheme 2023. Collection method: clinical testing. Allele origin: germline.